The following is an entry in ClinVar:

NM_024757.5(EHMT1):c.193A>G (p.Ser65Gly)

Gene: EHMT1 (euchromatic histone lysine methyltransferase 1; plus strand). Cytogenetic location: 9q34.3.
Variant type: single nucleotide variant.
Coding change: c.193A>G on transcript NM_024757.5 (MANE Select); coding-DNA position 193, A replaced by G.
Protein change: p.Ser65Gly; replaces serine 65 with glycine.
Molecular consequence: missense variant.
Genome position (GRCh38, 1-based): chr9:137,716,733, A>G. VCF-style: chr9-137716733-A-G. GRCh37 (hg19) VCF-style: chr9-140611185-A-G.
Other names: c.193A>G, p.Ser65Gly (NM_001145527.2, NM_001354263.2, NM_001354611.2); c.100A>G, p.Ser34Gly (NM_001354259.2, NM_001354612.2); short protein forms S34G, S65G.
Identifiers: ClinVar variation 3252198 (VCV003252198.1), dbSNP rs765285098.

ClinVar aggregate classification (germline): Uncertain significance (1 of 4 stars; one submission).

gnomAD v4.1: 4 of 1,612,490 alleles (0.00025%); highest among the groups gnomAD compares: South Asian, 0.0011%; no homozygotes.

Submission:

GeneDx
Classification: Uncertain significance. Last evaluated: 2023-10-10. Review status: criteria provided, single submitter. Criteria: GeneDx Variant Classification Process June 2021. Collection method: clinical testing. Allele origin: germline. Affected: yes.
Comment: Not observed at significant frequency in large population cohorts (gnomAD); In silico analysis supports that this missense variant does not alter protein structure/function; Has not been previously published as pathogenic or benign to our knowledge